The following is an entry in ClinVar:

ClinVar aggregate classification (germline): Uncertain significance (1 of 4 stars; one submission).

Submission:

GeneDx
Classification: Uncertain significance. Last evaluated: 2022-01-07. Review status: criteria provided, single submitter. Criteria: GeneDx Variant Classification Process June 2021. Collection method: clinical testing. Allele origin: germline. Affected: yes.
Comment: Not observed at significant frequency in large population cohorts (gnomAD); In silico analysis supports that this missense variant has a deleterious effect on protein structure/function; Has not been previously published as pathogenic or benign to our knowledge

NM_001079872.2(CUL4B):c.581A>G (p.Tyr194Cys)

Gene: CUL4B (cullin 4B; minus strand). Cytogenetic location: Xq24.
Variant type: single nucleotide variant.
Coding change: c.581A>G on transcript NM_001079872.2 (MANE Select); coding-DNA position 581, A replaced by G.
Protein change: p.Tyr194Cys; replaces tyrosine 194 with cysteine.
Molecular consequence: missense variant.
Genome position (GRCh38, 1-based): chrX:120,558,015, T>C on the plus strand (A>G on the coding strand, the complement: CUL4B is on the minus strand). VCF-style: chrX-120558015-T-C. GRCh37 (hg19) VCF-style: chrX-119691870-T-C.
Other names: c.596A>G, p.Tyr199Cys (NM_001330624.2); c.47A>G, p.Tyr16Cys (NM_001369145.1); c.635A>G, p.Tyr212Cys (NM_003588.4); short protein forms Y16C, Y194C, Y199C, Y212C.
Identifiers: ClinVar variation 1695656 (VCV001695656.2), dbSNP rs2147348059, ClinGen allele CA414203572.